The following is an entry in ClinVar:

ClinVar aggregate classification (germline): Conflicting classifications of pathogenicity. Review status: criteria provided, conflicting classifications (1 of 4 stars). 4 submissions from 4 submitters: Uncertain significance (1); Benign (1); Likely benign (2). Last evaluated 2026-01-18.

Allele frequency attached by ClinVar (database versions not stated): ExAC 0.00275; gnomAD 0.00625; 1000 Genomes Project 0.04293.
gnomAD v4.1: 1,806 of 1,505,754 alleles (0.12%); highest among the groups gnomAD compares: African/African-American, 2.3%; 21 homozygotes.

Submissions (4):

Labcorp Genetics (formerly Invitae), Labcorp
Classification: Uncertain significance. Last evaluated: 2026-01-18. Review status: criteria provided, single submitter. Criteria: Invitae Variant Classification Sherloc (09022015). Collection method: clinical testing. Allele origin: germline.
Comment: This sequence change replaces glutamic acid, which is acidic and polar, with glutamine, which is neutral and polar, at codon 750 of the PIEZO1 protein (p.Glu750Gln). The frequency data for this variant in the population databases is considered unreliable, as metrics indicate poor data quality at this position in the gnomAD database. This variant has not been reported in the literature in individuals affected with PIEZO1-related conditions. ClinVar contains an entry for this variant (Variation ID: 2045538). Invitae Evidence Modeling of protein sequence and biophysical properties (such as structural, functional, and spatial information, amino acid conservation, physicochemical variation, residue mobility, and thermodynamic stability) indicates that this missense variant is not expected to disrupt PIEZO1 protein function with a negative predictive value of 95%. In summary, the available evidence is currently insufficient to determine the role of this variant in disease. Therefore, it has been classified as a Variant of Uncertain Significance.

Mayo Clinic Laboratories, Mayo Clinic
Classification: Likely benign. Last evaluated: 2025-09-30. Review status: criteria provided, single submitter. Criteria: ACMG Guidelines, 2015. Collection method: clinical testing. Allele origin: germline. Observed: 112 variant alleles.
Comment: BS1, BP4

ARUP Laboratories, Molecular Genetics and Genomics, ARUP Laboratories
Classification: Benign. Last evaluated: 2025-05-22. Review status: criteria provided, single submitter. Criteria: ARUP Molecular Germline Variant Investigation Process 2024. Collection method: clinical testing. Allele origin: germline.

Blueprint Genetics
Classification: Likely benign. Last evaluated: 2024-11-27. Review status: criteria provided, single submitter. Criteria: ACMG Guidelines, 2015. Collection method: clinical testing. Allele origin: germline.

NM_001142864.4(PIEZO1):c.2248G>C (p.Glu750Gln)

Genes: HSALR1 (HSP90AB1 associated lncRNA 1; plus strand), PIEZO1 (piezo type mechanosensitive ion channel component 1 (Er blood group); minus strand). Cytogenetic location: 16q24.3.
Variant type: single nucleotide variant.
Coding change: c.2248G>C on transcript NM_001142864.4 (MANE Select); coding-DNA position 2248, G replaced by C.
Protein change: p.Glu750Gln; replaces glutamic acid 750 with glutamine.
Molecular consequence: missense variant.
Genome position (GRCh38, 1-based): chr16:88,733,987, C>G on the plus strand (G>C on the coding strand, the complement: PIEZO1 is on the minus strand). VCF-style: chr16-88733987-C-G. GRCh37 (hg19) VCF-style: chr16-88800395-C-G.
Other names: p.Glu750Gln; c.793G>C, p.Glu265Gln (NM_014745.1); short protein forms E265Q, E750Q.
Identifiers: ClinVar variation 2045538 (VCV002045538.7), dbSNP rs202139830, ClinGen allele CA8232832.